The following is an entry in ClinVar:

ClinVar aggregate classification (germline): Uncertain significance (1 of 4 stars; one submission).

Allele frequency attached by ClinVar (database versions not stated): ExAC 0.00002.

Submission:

Ambry Genetics
Classification: Uncertain significance. Last evaluated: 2022-05-01. Review status: criteria provided, single submitter. Criteria: Ambry Variant Classification Scheme 2023. Collection method: clinical testing. Allele origin: germline.
Comment: The p.L299R variant (also known as c.896T>G), located in coding exon 3 of the ALPK2 gene, results from a T to G substitution at nucleotide position 896. The leucine at codon 299 is replaced by arginine, an amino acid with dissimilar properties. This amino acid position is conserved. In addition, this alteration is predicted to be tolerated by in silico analysis. Since supporting evidence is limited at this time, the clinical significance of this alteration remains unclear.

NM_052947.4(ALPK2):c.896T>G (p.Leu299Arg)

Genes: ALPK2 (alpha kinase 2; minus strand), LOC114803473 (ALPK2 eExon liver enhancer; plus strand). Cytogenetic location: 18q21.31.
Variant type: single nucleotide variant.
Coding change: c.896T>G on transcript NM_052947.4 (MANE Select); coding-DNA position 896, T replaced by G.
Protein change: p.Leu299Arg; replaces leucine 299 with arginine.
Molecular consequence: missense variant.
Genome position (GRCh38, 1-based): chr18:58,579,880, A>C on the plus strand (T>G on the coding strand, the complement: ALPK2 is on the minus strand). VCF-style: chr18-58579880-A-C. GRCh37 (hg19) VCF-style: chr18-56247112-A-C.
Other names: short protein forms L299R.
Identifiers: ClinVar variation 1765283 (VCV001765283.2), dbSNP rs756581736, ClinGen allele CA8977361.